The following is an entry in ClinVar:

ClinVar aggregate classification (germline): Pathogenic. Review status: criteria provided, multiple submitters, no conflicts (2 of 4 stars). 2 submissions from 2 submitters: Pathogenic (2). Last evaluated 2022-02-15.

Submissions (2):

Mayo Clinic Laboratories, Mayo Clinic
Classification: Pathogenic. Last evaluated: 2022-02-15. Review status: criteria provided, single submitter. Criteria: ACMG Guidelines, 2015. Collection method: clinical testing. Allele origin: germline. Observed: 1 variant allele.
Comment: PP4, PM2, PS4_moderate, PVS1

ARUP Laboratories, Molecular Genetics and Genomics, ARUP Laboratories
Classification: Pathogenic. Last evaluated: 2016-07-07. Review status: criteria provided, single submitter. Criteria: ARUP Molecular Germline Variant Investigation Process. Collection method: clinical testing. Allele origin: germline.

Literature cited by the submitters: PubMed 34872578 (cited by Mayo Clinic Laboratories, Mayo Clinic).

NM_001114753.3(ENG):c.760C>T (p.Gln254Ter)

Gene: ENG (endoglin; minus strand). Cytogenetic location: 9q34.11.
Variant type: single nucleotide variant.
Coding change: c.760C>T on transcript NM_001114753.3 (MANE Select); coding-DNA position 760, C replaced by T.
Protein change: p.Gln254Ter; replaces glutamine 254 with a stop codon.
Molecular consequence: nonsense.
Genome position (GRCh38, 1-based): chr9:127,825,287, G>A on the plus strand (C>T on the coding strand, the complement: ENG is on the minus strand). VCF-style: chr9-127825287-G-A. GRCh37 (hg19) VCF-style: chr9-130587566-G-A.
Other names: c.760C>T, p.Gln254Ter (NM_000118.4, NM_001406715.1); c.214C>T, p.Gln72Ter (NM_001278138.2); short protein forms Q254*, Q72*.
Identifiers: ClinVar variation 439652 (VCV000439652.10), dbSNP rs1554810234, ClinGen allele CA374983319.